The following is an entry in ClinVar:

NM_153676.4(USH1C):c.496+27C>T

Gene: USH1C (USH1 protein network component harmonin; minus strand). Cytogenetic location: 11p15.1.
Variant type: single nucleotide variant.
Coding change: c.496+27C>T on transcript NM_153676.4 (MANE Select); 27 bases into the intron after coding-DNA position 496, C replaced by T.
Molecular consequence: intron variant.
Genome position (GRCh38, 1-based): chr11:17,527,196, G>A on the plus strand (C>T on the coding strand, the complement: USH1C is on the minus strand). VCF-style: chr11-17527196-G-A. GRCh37 (hg19) VCF-style: chr11-17548743-G-A.
Other names: c.496+27C>T (NM_001297764.2, NM_001440687.1, NM_001440681.1 and 5 more transcripts); c.529+27C>T (NM_001440686.1, NM_001440684.1, NM_001440679.1).
Identifiers: ClinVar variation 4980947 (VCV004980947.1).

ClinVar aggregate classification (germline): Likely benign (1 of 4 stars; one submission).

Conditions:
USH1C-related disorder. Also called: USH1C-related condition.

Submission:

PreventionGenetics, part of Exact Sciences
Classification: Likely benign for USH1C-related condition. Last evaluated: 2024-12-13. Review status: criteria provided, single submitter. Criteria: ACMG Guidelines, 2015. Collection method: clinical testing. Allele origin: germline.
Comment: This variant is classified as likely benign based on ACMG/AMP sequence variant interpretation guidelines (Richards et al. 2015 PMID: 25741868, with internal and published modifications).